The following is an entry in ClinVar:

NM_014920.5(CILK1):c.1399G>T (p.Ala467Ser)

Gene: CILK1 (ciliogenesis associated kinase 1; minus strand). Cytogenetic location: 6p12.1.
Variant type: single nucleotide variant.
Coding change: c.1399G>T on transcript NM_014920.5 (MANE Select); coding-DNA position 1399, G replaced by T.
Protein change: p.Ala467Ser; replaces alanine 467 with serine.
Molecular consequence: missense variant. On other transcripts: non-coding transcript variant (1).
Genome position (GRCh38, 1-based): chr6:53,011,862, C>A on the plus strand (G>T on the coding strand, the complement: CILK1 is on the minus strand). VCF-style: chr6-53011862-C-A. GRCh37 (hg19) VCF-style: chr6-52876660-C-A.
Other names: c.1420G>T, p.Ala474Ser (NM_001375397.1); c.1399G>T, p.Ala467Ser (NM_001375398.1, NM_001375399.1, NM_001375400.1 and 3 more transcripts); short protein forms A467S, A474S.
Identifiers: ClinVar variation 2853559 (VCV002853559.3), dbSNP rs2533252393, ClinGen allele CA364466964.

ClinVar aggregate classification (germline): Uncertain significance (1 of 4 stars; one submission).

Submission:

Labcorp Genetics (formerly Invitae), Labcorp
Classification: Uncertain significance. Last evaluated: 2023-10-19. Review status: criteria provided, single submitter. Criteria: Invitae Variant Classification Sherloc (09022015). Collection method: clinical testing. Allele origin: germline.
Comment: This sequence change replaces alanine, which is neutral and non-polar, with serine, which is neutral and polar, at codon 467 of the ICK protein (p.Ala467Ser). This variant is not present in population databases (gnomAD no frequency). This variant has not been reported in the literature in individuals affected with ICK-related conditions. Advanced modeling of protein sequence and biophysical properties (such as structural, functional, and spatial information, amino acid conservation, physicochemical variation, residue mobility, and thermodynamic stability) performed at Invitae indicates that this missense variant is not expected to disrupt ICK protein function. In summary, the available evidence is currently insufficient to determine the role of this variant in disease. Therefore, it has been classified as a Variant of Uncertain Significance.